The following is an entry in ClinVar:

NM_000051.4(ATM):c.6419T>G (p.Phe2140Cys)

Genes: ATM (ATM serine/threonine kinase; plus strand), C11orf65 (chromosome 11 open reading frame 65; minus strand). Cytogenetic location: 11q22.3.
Variant type: single nucleotide variant.
Coding change: c.6419T>G on transcript NM_000051.4 (MANE Select); coding-DNA position 6419, T replaced by G.
Protein change: p.Phe2140Cys; replaces phenylalanine 2140 with cysteine.
Molecular consequence: missense variant. On other transcripts: intron variant (2).
Genome position (GRCh38, 1-based): chr11:108,320,025, T>G. VCF-style: chr11-108320025-T-G. GRCh37 (hg19) VCF-style: chr11-108190752-T-G.
Other names: c.*39-10954A>C (NM_001351110.2); c.6419T>G, p.Phe2140Cys (NM_001351834.2); c.641-10954A>C (NM_001330368.2); short protein forms F2140C.
Identifiers: ClinVar variation 566582 (VCV000566582.27), dbSNP rs1297621371, ClinGen allele CA382553486.
Genomic context (GRCh38, chr11:108,320,025, plus strand): 5'-AAGGAACCAGTTACCATGAATCATTGTACAATGCTCTACAATCTCTAAGAGACAGAGAAT[T>G]CTCTACATTTTATGAAAGTCTCAAATATGCCAGGTATTATGAAAAGACAAAGTTACTGTA-3'
Protein context (NP_000042.3, residues 2130-2150): NALQSLRDRE[Phe2140Cys]STFYESLKYA

ClinVar aggregate classification (germline): Uncertain significance. Review status: criteria provided, multiple submitters, no conflicts (2 of 4 stars). 5 submissions from 5 submitters: Uncertain significance (4). 1 of the submissions does not count toward it. Last evaluated 2024-11-03.

Conditions:
Hereditary cancer-predisposing syndrome. Also called: Hereditary Cancer Syndrome; Neoplastic Syndromes, Hereditary; Tumor predisposition; Hereditary neoplastic syndrome. Identifiers: Orphanet 140162, MedGen C0027672, MeSH D009386, MONDO:0015356.
Familial cancer of breast. Also called: BREAST CANCER, FAMILIAL; Hereditary breast cancer; hereditary breast carcinoma. Identifiers: Orphanet 227535, MedGen C0346153, MONDO:0016419, OMIM 114480. Disease mechanism: loss of function.
Ataxia-telangiectasia syndrome (AT). Also called: Cerebello-oculocutaneous telangiectasia; Immunodeficiency with ataxia telangiectasia; Ataxia-telangiectasia, complementation group E; Ataxia-telangiectasia, complementation group D; AT, COMPLEMENTATION GROUP C; ATAXIA-TELANGIECTASIA, COMPLEMENTATION GROUP A. Identifiers: Orphanet 100, MedGen C0004135, MONDO:0008840, OMIM 208900.

Allele frequency attached by ClinVar (database versions not stated): gnomAD exomes 0.00001; TOPMed below 0.00001.
gnomAD v4.1: 1 of 1,610,026 alleles (0.000062%); highest among the groups gnomAD compares: South Asian, 0.0011%; no homozygotes.

Submissions (5):

KCCC/NGS Laboratory, Kuwait Cancer Control Center
Classification: Uncertain significance for Familial cancer of breast. Last evaluated: 2024-11-03. Review status: criteria provided, single submitter. Criteria: ACMG Guidelines, 2015. Collection method: clinical testing. Allele origin: germline. Inheritance: Autosomal dominant inheritance. Affected: yes. Observed: 1 heterozygote.
Comment: The c.6419T>G (p.Phe2140Cys) sequence change replaces phenylalanine, which is neutral and non‐polar, with cysteine, which is neutral and slightly polar, at codon 2140 of the ATM protein (p.Phe2140Cys). This variant is present in population databases (no rsID available, gnomAD 0.006%). This variant has not been reported in the literature in individuals affected with ATMrelated conditions. ClinVar contains an entry for this variant (Variation ID: 566582). An algorithm developed to predict the effect of missense changes on protein structure and function (PolyPhen‐2) suggests that this variant is likely to be disruptive. In summary, the available evidence is currently insufficient to determine the role of this variant in disease. Therefore, it has been classified as a Variant of Uncertain Significance.

Labcorp Genetics (formerly Invitae), Labcorp
Classification: Uncertain significance for Ataxia-telangiectasia syndrome. Last evaluated: 2023-12-02. Review status: criteria provided, single submitter. Criteria: Invitae Variant Classification Sherloc (09022015). Collection method: clinical testing. Allele origin: germline.
Comment: This sequence change replaces phenylalanine, which is neutral and non-polar, with cysteine, which is neutral and slightly polar, at codon 2140 of the ATM protein (p.Phe2140Cys). This variant is present in population databases (no rsID available, gnomAD 0.006%). This variant has not been reported in the literature in individuals affected with ATM-related conditions. ClinVar contains an entry for this variant (Variation ID: 566582). An algorithm developed to predict the effect of missense changes on protein structure and function (PolyPhen-2) suggests that this variant is likely to be disruptive. In summary, the available evidence is currently insufficient to determine the role of this variant in disease. Therefore, it has been classified as a Variant of Uncertain Significance.

Ambry Genetics
Classification: Uncertain significance for Hereditary cancer-predisposing syndrome. Last evaluated: 2022-09-16. Review status: criteria provided, single submitter. Criteria: Ambry Variant Classification Scheme 2023. Collection method: clinical testing. Allele origin: germline.
Comment: The p.F2140C variant (also known as c.6419T>G), located in coding exon 43 of the ATM gene, results from a T to G substitution at nucleotide position 6419. The phenylalanine at codon 2140 is replaced by cysteine, an amino acid with highly dissimilar properties. This nucleotide position is highly conserved in available vertebrate species. This amino acid position is highly conserved in available vertebrate species. In addition, this alteration is predicted to be deleterious by in silico analysis. Since supporting evidence is limited at this time, the clinical significance of this alteration remains unclear.

Color Diagnostics, LLC DBA Color Health
Classification: Uncertain significance for Hereditary cancer-predisposing syndrome. Last evaluated: 2020-08-04. Review status: criteria provided, single submitter. Criteria: ACMG Guidelines, 2015. Collection method: clinical testing. Allele origin: germline.
Comment: This missense variant replaces phenylalanine with cysteine at codon 2140 of the ATM protein. Computational prediction suggests that this variant may have deleterious impact on protein structure and function (internally defined REVEL score threshold >= 0.7, PMID: 27666373). To our knowledge, functional studies have not been reported for this variant. This variant has not been reported in individuals affected with hereditary cancer in the literature. This variant has been identified in 2/249494 chromosomes in the general population by the Genome Aggregation Database (gnomAD). The available evidence is insufficient to determine the role of this variant in disease conclusively. Therefore, this variant is classified as a Variant of Uncertain Significance.

Natera, Inc.
Classification: Uncertain significance for Ataxia-telangiectasia. Last evaluated: 2019-10-28. Review status: no assertion criteria provided. Collection method: clinical testing. Allele origin: germline. Not counted in ClinVar's aggregate classification.